The following is an entry in ClinVar:

ClinVar aggregate classification (germline): Pathogenic (1 of 4 stars; one submission).

Submission:

Ambry Genetics
Classification: Pathogenic. Last evaluated: 2026-05-29. Review status: criteria provided, single submitter. Criteria: Ambry Variant Classification Scheme 2023. Collection method: clinical testing. Allele origin: germline.
Comment: The c.3621_3622dupGA pathogenic mutation, located in coding exon 5 of the MLH3 gene, results from a duplication of GA at nucleotide position 3621, causing a translational frameshift with a predicted alternate stop codon (p.T1208Rfs*53). This variant is considered to be rare based on population cohorts in the Genome Aggregation Database (gnomAD). This alteration is expected to result in loss of function by premature protein truncation or nonsense-mediated mRNA decay. As such, this alteration is interpreted as a disease-causing mutation.

NM_001040108.2(MLH3):c.3621_3622dup (p.Thr1208fs)

Gene: MLH3 (mutL homolog 3; minus strand). Cytogenetic location: 14q24.3.
Variant type: Duplication.
Coding change: c.3621_3622dup on transcript NM_001040108.2 (MANE Select); coding-DNA positions 3621 to 3622, 2 bases duplicated (GA; older notation c.3621_3622dupGA).
Protein change: p.Thr1208fs; shifts the reading frame from threonine 1208.
Molecular consequence: frameshift variant.
Genome position (GRCh38, 1-based): chr14:75,038,361-75,038,362, TC duplicated on the plus strand (GA on the coding strand, the reverse complement: MLH3 is on the minus strand); duplicating any 2 consecutive bases within chr14:75,038,361-75,038,363 gives the same sequence; the c. name uses the placement nearest the transcript's 3' end. VCF-style (leftmost placement, unchanged base first): chr14-75038360-G-GTC. GRCh37 (hg19) VCF-style: chr14-75505063-G-GTC.
Other names: c.3621_3622dupGA (NM_001040108.1); c.3621_3622dup, p.Thr1208fs (NM_014381.3); short protein forms T1208fs.
Identifiers: ClinVar variation 4844638 (VCV004844638.2).